The following is an entry in ClinVar:

NM_001042492.3(NF1):c.7664A>G (p.Lys2555Arg)

Gene: NF1 (neurofibromin 1; plus strand). Cytogenetic location: 17q11.2.
Variant type: single nucleotide variant.
Coding change: c.7664A>G on transcript NM_001042492.3 (MANE Select); coding-DNA position 7664, A replaced by G.
Protein change: p.Lys2555Arg; replaces lysine 2555 with arginine.
Molecular consequence: missense variant.
Genome position (GRCh38, 1-based): chr17:31,356,508, A>G. VCF-style: chr17-31356508-A-G. GRCh37 (hg19) VCF-style: chr17-29683526-A-G.
Other names: c.7601A>G, p.Lys2534Arg (NM_000267.4); short protein forms K2555R, K2534R.
Identifiers: ClinVar variation 4119042 (VCV004119042.1).

ClinVar aggregate classification (germline): Uncertain significance (1 of 4 stars; one submission).

Conditions:
Cardiovascular phenotype. Identifiers: MedGen CN230736.
Hereditary cancer-predisposing syndrome. Also called: Hereditary neoplastic syndrome; Neoplastic Syndromes, Hereditary; Tumor predisposition; Hereditary Cancer Syndrome. Identifiers: Orphanet 140162, MedGen C0027672, MeSH D009386, MONDO:0015356.

Submission:

Ambry Genetics
Classification: Uncertain significance for Cardiovascular phenotype; Hereditary cancer-predisposing syndrome. Last evaluated: 2025-08-01. Review status: criteria provided, single submitter. Criteria: Ambry Variant Classification Scheme 2023. Collection method: clinical testing. Allele origin: germline.
Comment: The p.K2534R variant (also known as c.7601A>G), located in coding exon 51 of the NF1 gene, results from an A to G substitution at nucleotide position 7601. The lysine at codon 2534 is replaced by arginine, an amino acid with highly similar properties. This amino acid position is conserved. In addition, this alteration is predicted to be tolerated by in silico analysis. Based on the available evidence, the clinical significance of this variant remains unclear.